The following is an entry in ClinVar:

NM_000138.5(FBN1):c.2049C>G (p.Cys683Trp)

Gene: FBN1 (fibrillin 1; minus strand). Cytogenetic location: 15q21.1.
Variant type: single nucleotide variant.
Coding change: c.2049C>G on transcript NM_000138.5 (MANE Select); coding-DNA position 2049, C replaced by G.
Protein change: p.Cys683Trp; replaces cysteine 683 with tryptophan.
Molecular consequence: missense variant.
Genome position (GRCh38, 1-based): chr15:48,503,851, G>C on the plus strand (C>G on the coding strand, the complement: FBN1 is on the minus strand). VCF-style: chr15-48503851-G-C. GRCh37 (hg19) VCF-style: chr15-48796048-G-C.
Other names: c.2049C>G, p.Cys683Trp (NM_001406716.1); short protein forms C683W.
Identifiers: ClinVar variation 2946764 (VCV002946764.3), dbSNP rs2505591095, ClinGen allele CA392338326.
Genomic context (GRCh38, chr15:48,503,851, plus strand): 5'-ATTCTGTGCAGGACACGGCTGGCAAGGTTCCCCAAATGCATACTCAGTGCTGGCGCAACA[G>C]CATTCAGATTTAGTGACAGCACCAAACAAAGGTTTGATACACTGGCCTCTCTTGTATCCA-3'
Protein context (NP_000129.3, residues 673-693): PLFGAVTKSE[Cys683Trp]CCASTEYAFG

ClinVar aggregate classification (germline): Pathogenic (1 of 4 stars; one submission).

Conditions:
Marfan syndrome (MFS). Also called: MARFAN SYNDROME, TYPE I; Marfan syndrome type 1; Marfan's syndrome; Marfan syndrome, classic; FBN1-Related Marfan Syndrome. Identifiers: Orphanet 284963, Orphanet 558, MedGen C0024796, MONDO:0007947, OMIM 154700.
Familial thoracic aortic aneurysm and aortic dissection (TAAD). Also called: Thoracic aortic aneurysms and dissections. Identifiers: Orphanet 91387, MedGen C4707243, MONDO:0019625.

Submission:

Labcorp Genetics (formerly Invitae), Labcorp
Classification: Pathogenic for Marfan syndrome; Familial thoracic aortic aneurysm and aortic dissection. Last evaluated: 2023-04-15. Review status: criteria provided, single submitter. Criteria: Invitae Variant Classification Sherloc (09022015). Collection method: clinical testing. Allele origin: germline.
Comment: This missense change has been observed in individual(s) with Marfan syndrome (Invitae). For these reasons, this variant has been classified as Pathogenic. This variant disrupts the p.Cys683 amino acid residue in FBN1. Other variant(s) that disrupt this residue have been observed in individuals with FBN1-related conditions (PMID: 12203992, 19863550; Invitae), which suggests that this may be a clinically significant amino acid residue. This variant affects a cysteine residue in the EGF-like, TGFBP or hybrid motif domains of FBN1. Cysteine residues are believed to be involved in intramolecular disulfide bridges and have been shown to be important for FBN1 protein structure (PMID: 16905551, 19349279). In addition, missense substitutions affecting cysteine residues within these domains are significantly overrepresented among patients with Marfan syndrome (PMID: 16571647, 17701892). Advanced modeling of protein sequence and biophysical properties (such as structural, functional, and spatial information, amino acid conservation, physicochemical variation, residue mobility, and thermodynamic stability) performed at Invitae indicates that this missense variant is expected to disrupt FBN1 protein function. This variant is not present in population databases (gnomAD no frequency). This sequence change replaces cysteine, which is neutral and slightly polar, with tryptophan, which is neutral and slightly polar, at codon 683 of the FBN1 protein (p.Cys683Trp).

Literature cited by the submitters: PubMed 12203992; PubMed 19863550; PubMed 16905551; PubMed 19349279; PubMed 16571647; PubMed 17701892.